The following is an entry in ClinVar:

NM_000303.3(PMM2):c.109C>T (p.Gln37Ter)

Gene: PMM2 (phosphomannomutase 2; plus strand). Cytogenetic location: 16p13.2.
Variant type: single nucleotide variant.
Coding change: c.109C>T on transcript NM_000303.3 (MANE Select); coding-DNA position 109, C replaced by T.
Protein change: p.Gln37Ter; replaces glutamine 37 with a stop codon.
Molecular consequence: nonsense.
Genome position (GRCh38, 1-based): chr16:8,801,841, C>T. VCF-style: chr16-8801841-C-T. GRCh37 (hg19) VCF-style: chr16-8895698-C-T.
Other names: short protein forms Q37*.
Identifiers: ClinVar variation 632947 (VCV000632947.22), dbSNP rs764353860, ClinGen allele CA7893890.

ClinVar aggregate classification (germline): Pathogenic/Likely pathogenic. Review status: criteria provided, multiple submitters, no conflicts (2 of 4 stars). 6 submissions from 6 submitters: Pathogenic (4); Likely pathogenic (2). Last evaluated 2026-08-03.

Conditions:
PMM2-congenital disorder of glycosylation. Also called: Congenital disorder of glycosylation, type Ia; PMM2-CDG; JAEKEN SYNDROME; PHOSPHOMANNOMUTASE 2 DEFICIENCY; CARBOHYDRATE-DEFICIENT GLYCOPROTEIN SYNDROME, TYPE Ia; CDG Ia. Identifiers: Orphanet 79318, MedGen C0349653, MONDO:0008907, OMIM 212065.
Inborn genetic diseases. Identifiers: MedGen C0950123, MeSH D030342.

Allele frequency attached by ClinVar (database versions not stated): TOPMed 0.00009; gnomAD exomes 0.00014; ExAC 0.00017.
gnomAD v4.1: 41 of 1,611,936 alleles (0.0025%); highest among the groups gnomAD compares: Admixed American, 0.058%; no homozygotes.

Submissions (6):

GeneDx
Classification: Pathogenic. Last evaluated: 2026-08-03. Review status: criteria provided, single submitter. Criteria: GeneDx Variant Classification Process June 2021. Collection method: clinical testing. Allele origin: germline.
Comment: Reported in a patient with PMM2-related congenital disorder of glycosylation (CDG-Ia) who also harbored another pathogenic PMM2 variant in the published literature (PMID: 37224763); Nonsense variant predicted to result in protein truncation or nonsense mediated decay in a gene for which loss of function is a known mechanism of disease; This variant is associated with the following publications: (PMID: 19862844, 40225925, 40121796, 37224763)

Labcorp Genetics (formerly Invitae), Labcorp
Classification: Pathogenic for PMM2-congenital disorder of glycosylation. Last evaluated: 2025-11-12. Review status: criteria provided, single submitter. Criteria: Invitae Variant Classification Sherloc (09022015). Collection method: clinical testing. Allele origin: germline.
Comment: This sequence change creates a premature translational stop signal (p.Gln37*) in the PMM2 gene. It is expected to result in an absent or disrupted protein product. Loss-of-function variants in PMM2 are known to be pathogenic (PMID: 19862844). This variant is present in population databases (rs764353860, gnomAD 0.08%). This variant has not been reported in the literature in individuals affected with PMM2-related conditions. ClinVar contains an entry for this variant (Variation ID: 632947). For these reasons, this variant has been classified as Pathogenic.

Natera, Inc.
Classification: Pathogenic for Congenital disorder of glycosylation type 1a. Last evaluated: 2025-08-29. Review status: criteria provided, single submitter. Criteria: Natera Variant Classification Schema (03/2026). Collection method: clinical testing. Allele origin: germline.
Comment: The c.109C>T variant in PMM2 is a nonsense variant predicted to introduce a stop codon at amino acid 37. This variant is expected to result in nonsense mediated decay, truncation, or a dysfunctional protein product. This variant is rare in the general population with a frequency below the threshold expected for the associated phenotype(s). This variant has been observed in one or more individuals affected with the associated recessive disease, as either homozygous or compound heterozygous with a second variant (PMID: 40121796). Given the available evidence, this variant is classified as Pathogenic.

Fulgent Genetics
Classification: Likely pathogenic for PMM2-congenital disorder of glycosylation. Last evaluated: 2024-03-14. Review status: criteria provided, single submitter. Criteria: ACMG Guidelines, 2015. Collection method: clinical testing. Allele origin: germline.

Ambry Genetics
Classification: Pathogenic for Inborn genetic diseases. Last evaluated: 2022-07-28. Review status: criteria provided, single submitter. Criteria: Ambry Variant Classification Scheme 2023. Collection method: clinical testing. Allele origin: germline.
Comment: The c.109C>T (p.Q37*) alteration, located in exon 2 (coding exon 2) of the PMM2 gene, consists of a C to T substitution at nucleotide position 109. This changes the amino acid from a glutamine (Q) to a stop codon at amino acid position 37. This alteration is expected to result in loss of function by premature protein truncation or nonsense-mediated mRNA decay. Based on the available evidence, this alteration is classified as pathogenic.

Women's Health and Genetics/Laboratory Corporation of America, LabCorp
Classification: Likely pathogenic for Carbohydrate-deficient glycoprotein syndrome type I. Last evaluated: 2018-09-24. Review status: criteria provided, single submitter. Criteria: LabCorp Variant Classification Summary - May 2015. Collection method: clinical testing. Allele origin: germline.
Comment: Variant summary: PMM2 c.109C>T (p.Gln37X) results in a premature termination codon, predicted to cause a truncation of the encoded protein or absence of the protein due to nonsense mediated decay, which are commonly known mechanisms for disease. Truncations downstream of this position have been classified as pathogenic by our laboratory (e.g., p.Arg194X). The variant allele was found at a frequency of 0.00014 in 244386 control chromosomes. This frequency is not higher than expected for a pathogenic variant in PMM2 causing Congenital Disorder of Glycosylation Type 1a (0.00014 vs 0.0056), allowing no conclusion about variant significance. To our knowledge, no occurrence of c.109C>T in individuals affected with Congenital Disorder of Glycosylation Type 1a and no experimental evidence demonstrating its impact on protein function have been reported. No clinical diagnostic laboratories have submitted clinical-significance assessments for this variant to ClinVar after 2014. Based on the evidence outlined above, the variant was classified as likely pathogenic.

Literature cited by the submitters: PubMed 19862844 (cited by Labcorp Genetics (formerly Invitae), Labcorp); PubMed 40121796 (cited by Natera, Inc.).